The following is an entry in ClinVar:

ClinVar aggregate classification (germline): Uncertain significance. Review status: criteria provided, multiple submitters, no conflicts (2 of 4 stars). 2 submissions from 2 submitters: Uncertain significance (2). Last evaluated 2025-12-22.

Conditions:
Inborn genetic diseases. Identifiers: MedGen C0950123, MeSH D030342.
RYR1-related disorder. Also called: RYR1-related condition; RYR1-related disorders. Identifiers: MedGen CN239331.

Submissions (2):

Ambry Genetics
Classification: Uncertain significance for Inborn genetic diseases. Last evaluated: 2025-12-22. Review status: criteria provided, single submitter. Criteria: Ambry Variant Classification Scheme 2023. Collection method: clinical testing. Allele origin: germline.

Labcorp Genetics (formerly Invitae), Labcorp
Classification: Uncertain significance for RYR1-related disorder. Last evaluated: 2025-02-16. Review status: criteria provided, single submitter. Criteria: Invitae Variant Classification Sherloc (09022015). Collection method: clinical testing. Allele origin: germline.
Comment: This sequence change replaces lysine, which is basic and polar, with arginine, which is basic and polar, at codon 2090 of the RYR1 protein (p.Lys2090Arg). This variant is not present in population databases (gnomAD no frequency). This variant has not been reported in the literature in individuals affected with RYR1-related conditions. Invitae Evidence Modeling of protein sequence and biophysical properties (such as structural, functional, and spatial information, amino acid conservation, physicochemical variation, residue mobility, and thermodynamic stability) indicates that this missense variant is not expected to disrupt RYR1 protein function with a negative predictive value of 80%. In summary, the available evidence is currently insufficient to determine the role of this variant in disease. Therefore, it has been classified as a Variant of Uncertain Significance.

NM_000540.3(RYR1):c.6269A>G (p.Lys2090Arg)

Gene: RYR1 (ryanodine receptor 1; plus strand). Cytogenetic location: 19q13.2.
Variant type: single nucleotide variant.
Coding change: c.6269A>G on transcript NM_000540.3 (MANE Select); coding-DNA position 6269, A replaced by G.
Protein change: p.Lys2090Arg; replaces lysine 2090 with arginine.
Molecular consequence: missense variant.
Genome position (GRCh38, 1-based): chr19:38,492,631, A>G. VCF-style: chr19-38492631-A-G. GRCh37 (hg19) VCF-style: chr19-38983271-A-G.
Other names: c.6269A>G, p.Lys2090Arg (NM_001042723.2); short protein forms K2090R.
Identifiers: ClinVar variation 4798636 (VCV004798636.2).